The following is an entry in ClinVar:

NC_000009.11:g.(?_75431039)_(75450889_?)del

Gene: TMC1 (transmembrane channel like 1; plus strand). Cytogenetic location: 9q21.13.
Variant type: Deletion.
Identifiers: ClinVar variation 3245393 (VCV003245393.1).

ClinVar aggregate classification (germline): Pathogenic (1 of 4 stars; one submission).

Submission:

Labcorp Genetics (formerly Invitae), Labcorp
Classification: Pathogenic. Last evaluated: 2023-05-20. Review status: criteria provided, single submitter. Criteria: Invitae Variant Classification Sherloc (09022015). Collection method: clinical testing. Allele origin: unknown.
Comment: This variant is a gross deletion of the genomic region encompassing exon(s) 19-24 of the TMC1 gene, which includes the termination codon. This deletion extends beyond the assayed region for this gene and therefore may encompass additional genes. While this deletion is not anticipated to lead to nonsense mediated decay, it is expected to alter mRNA translation or result in a truncated protein product. A similar copy number variant has been observed in individual(s) with autosomal recessive nonsyndromic deafness (PMID: 19187973). It has also been observed to segregate with disease in related individuals. For these reasons, this variant has been classified as Pathogenic.

Literature cited by the submitters: PubMed 19187973.